The following is an entry in ClinVar:

NM_000093.5(COL5A1):c.4105G>A (p.Gly1369Ser)

Gene: COL5A1 (collagen type V alpha 1 chain; plus strand). Cytogenetic location: 9q34.3.
Variant type: single nucleotide variant.
Coding change: c.4105G>A on transcript NM_000093.5 (MANE Select); coding-DNA position 4105, G replaced by A.
Protein change: p.Gly1369Ser; replaces glycine 1369 with serine.
Molecular consequence: missense variant.
Genome position (GRCh38, 1-based): chr9:134,815,971, G>A. VCF-style: chr9-134815971-G-A. GRCh37 (hg19) VCF-style: chr9-137707817-G-A.
Other names: c.4105G>A, p.Gly1369Ser (NM_001278074.1); short protein forms G1369S.
Identifiers: ClinVar variation 3719761 (VCV003719761.2).

ClinVar aggregate classification (germline): Uncertain significance (1 of 4 stars; one submission).

Conditions:
Ehlers-Danlos syndrome, classic type, 1 (EDSCL1). Also called: EHLERS-DANLOS SYNDROME, GRAVIS TYPE; EHLERS-DANLOS SYNDROME, SEVERE CLASSIC TYPE; Ehlers-Danlos syndrome, type 1; Ehlers-Danlos Syndrome, Classic Type, COL5A1-Related; EDS I. Identifiers: MedGen C0268335, MONDO:0019567, OMIM 130000.

Submission:

Labcorp Genetics (formerly Invitae), Labcorp
Classification: Uncertain significance for Ehlers-Danlos syndrome, classic type, 1. Last evaluated: 2024-10-22. Review status: criteria provided, single submitter. Criteria: Invitae Variant Classification Sherloc (09022015). Collection method: clinical testing. Allele origin: germline.
Comment: This sequence change replaces glycine, which is neutral and non-polar, with serine, which is neutral and polar, at codon 1369 of the COL5A1 protein (p.Gly1369Ser). This variant is not present in population databases (gnomAD no frequency). This variant has not been reported in the literature in individuals affected with COL5A1-related conditions. Invitae Evidence Modeling of protein sequence and biophysical properties (such as structural, functional, and spatial information, amino acid conservation, physicochemical variation, residue mobility, and thermodynamic stability) indicates that this missense variant is expected to disrupt COL5A1 protein function with a positive predictive value of 95%. This variant disrupts the triple helix domain of COL5A1. Glycine residues within the Gly-Xaa-Yaa repeats of the triple helix domain are required for the structure and stability of fibrillar collagens (PMID: 7695699, 8218237, 19344236), and variants at these glycine residues in COL5A1 are more frequently observed in individuals with disease than in the general population (PMID: 22696272, 23587214). However, the clinical significance of this observation remains uncertain since only a limited number of affected individuals have been described to date. In summary, the available evidence is currently insufficient to determine the role of this variant in disease. Therefore, it has been classified as a Variant of Uncertain Significance.

Literature cited by the submitters: PubMed 7695699; PubMed 8218237; PubMed 19344236; PubMed 22696272; PubMed 23587214.